The following is an entry in ClinVar:

ClinVar aggregate classification (germline): Uncertain significance (1 of 4 stars; one submission).

Conditions:
Primary ciliary dyskinesia. Also called: Ciliary dyskinesia. Identifiers: Orphanet 244, MedGen C0008780, MONDO:0016575, HP:0012265.

gnomAD v4.1: 5 of 1,613,196 alleles (0.00031%); highest among the groups gnomAD compares: Non-Finnish European, 0.00042%; no homozygotes.

Submission:

Labcorp Genetics (formerly Invitae), Labcorp
Classification: Uncertain significance for Primary ciliary dyskinesia. Last evaluated: 2021-09-01. Review status: criteria provided, single submitter. Criteria: Invitae Variant Classification Sherloc (09022015). Collection method: clinical testing. Allele origin: germline.
Comment: This sequence change replaces phenylalanine with leucine at codon 4494 of the DNAH11 protein (p.Phe4494Leu). The phenylalanine residue is moderately conserved and there is a small physicochemical difference between phenylalanine and leucine. This variant is not present in population databases (ExAC no frequency). This variant has not been reported in the literature in individuals affected with DNAH11-related conditions. Advanced modeling of protein sequence and biophysical properties (such as structural, functional, and spatial information, amino acid conservation, physicochemical variation, residue mobility, and thermodynamic stability) performed at Invitae indicates that this missense variant is not expected to disrupt DNAH11 protein function. In summary, the available evidence is currently insufficient to determine the role of this variant in disease. Therefore, it has been classified as a Variant of Uncertain Significance.

NM_001277115.2(DNAH11):c.13482C>G (p.Phe4494Leu)

Genes: CDCA7L (cell division cycle associated 7 like; minus strand), DNAH11 (dynein axonemal heavy chain 11; plus strand). Cytogenetic location: 7p15.3.
Variant type: single nucleotide variant.
Coding change: c.13482C>G on transcript NM_001277115.2 (MANE Select); coding-DNA position 13482, C replaced by G.
Protein change: p.Phe4494Leu; replaces phenylalanine 4494 with leucine.
Molecular consequence: missense variant. On other transcripts: 3 prime UTR variant (3).
Genome position (GRCh38, 1-based): chr7:21,901,185, C>G. VCF-style: chr7-21901185-C-G. GRCh37 (hg19) VCF-style: chr7-21940803-C-G.
Other names: c.*1137G>C (NM_001127370.3, NM_001127371.3, NM_018719.5); short protein forms F4494L.
Identifiers: ClinVar variation 1004394 (VCV001004394.6), dbSNP rs370038827, ClinGen allele CA366957165.